The following is an entry in ClinVar:

ClinVar aggregate classification (germline): Uncertain significance. Review status: criteria provided, single submitter (1 of 4 stars). 2 submissions from 2 submitters: Uncertain significance (1). 1 of the submissions does not count toward it. Last evaluated 2023-11-13.

Allele frequency attached by ClinVar (database versions not stated): gnomAD exomes below 0.00001 and 0.00002; gnomAD 0.00001; TOPMed 0.00001; ExAC 0.00003.
gnomAD v4.1: 3 of 1,614,074 alleles (0.00019%); highest among the groups gnomAD compares: Non-Finnish European, 0.00025%; no homozygotes.

Submissions (2):

Quest Diagnostics Nichols Institute San Juan Capistrano
Classification: Uncertain significance. Last evaluated: 2023-11-13. Review status: criteria provided, single submitter. Criteria: Quest Diagnostics criteria. Collection method: clinical testing. Allele origin: unknown.
Comment: The XRCC2 c.398T>C (p.Leu133Pro) variant has been reported in the published literature in unaffected control individuals in breast cancer case-control studies (PMIDs: 23054243 (2012), 33471991 (2021), see also LOVD), and shown to have partial effects on XRCC2 protein function (PMID: 27233470 (2016)). The frequency of this variant in the general population, 0.000035 (4/113630 chromosomes (Genome Aggregation Database)), is uninformative in the assessment of its pathogenicity. Analysis of this variant using bioinformatics tools for the prediction of the effect of amino acid changes on protein structure and function yielded conflicting predictions that this variant is benign or damaging. Based on the available information, we are unable to determine the clinical significance of this variant.

Leiden Open Variation Database
Classification: Uncertain significance. Last evaluated: 2016-04-14. Review status: no assertion criteria provided. Collection method: curation. Allele origin: germline. Affected: yes. Not counted in ClinVar's aggregate classification.
Comment: Curator: Arleen D. Auerbach. Submitter to LOVD: Florentine Hilbers.

Literature cited by the submitters: PubMed 33471991 (cited by Quest Diagnostics Nichols Institute San Juan Capistrano); PubMed 23054243 (cited by Quest Diagnostics Nichols Institute San Juan Capistrano and Leiden Open Variation Database); PubMed 27233470 (cited by Quest Diagnostics Nichols Institute San Juan Capistrano); PubMed 32846166 (cited by Quest Diagnostics Nichols Institute San Juan Capistrano).

NM_005431.2(XRCC2):c.398T>C (p.Leu133Pro)

Gene: XRCC2 (X-ray repair cross complementing 2; minus strand). Cytogenetic location: 7q36.1.
Variant type: single nucleotide variant.
Coding change: c.398T>C on transcript NM_005431.2 (MANE Select); coding-DNA position 398, T replaced by C.
Protein change: p.Leu133Pro; replaces leucine 133 with proline.
Molecular consequence: missense variant.
Genome position (GRCh38, 1-based): chr7:152,649,087, A>G on the plus strand (T>C on the coding strand, the complement: XRCC2 is on the minus strand). VCF-style: chr7-152649087-A-G. GRCh37 (hg19) VCF-style: chr7-152346172-A-G.
Other names: short protein forms L133P.
Identifiers: ClinVar variation 929639 (VCV000929639.2), dbSNP rs765276614, ClinGen allele CA4582347.
Genomic context (GRCh38, chr7:152,649,087, plus strand): 5'-GCTGACAGGCTATCCAAAATCAAAAGGCAGAGAGATGGGTGACTACAAAACATACTTTCT[A>G]GTGAGTAAAGTGTAAGAAGTAAGTGGGTGCTACTACTGCAGTACACCAAAAAAAATCTTC-3'
Protein context (NP_005422.1, residues 123-143): STHLLLTLYS[Leu133Pro]ESMFCSHPSL